The following is an entry in ClinVar:

NM_002480.3(PPP1R12A):c.1510C>T (p.Arg504Ter)

Gene: PPP1R12A (protein phosphatase 1 regulatory subunit 12A; minus strand). Cytogenetic location: 12q21.2.
Variant type: single nucleotide variant.
Coding change: c.1510C>T on transcript NM_002480.3 (MANE Select); coding-DNA position 1510, C replaced by T.
Protein change: p.Arg504Ter; replaces arginine 504 with a stop codon.
Molecular consequence: nonsense.
Genome position (GRCh38, 1-based): chr12:79,808,523, G>A on the plus strand (C>T on the coding strand, the complement: PPP1R12A is on the minus strand). VCF-style: chr12-79808523-G-A. GRCh37 (hg19) VCF-style: chr12-80202303-G-A.
Other names: c.1510C>T (NM_001244990.1); c.1510C>T, p.Arg504Ter (NM_001143885.2, NM_001244990.2, NM_001244992.1); c.1249C>T, p.Arg417Ter (NM_001143886.2); short protein forms R504*, R417*.
Identifiers: ClinVar variation 827962 (VCV000827962.3), dbSNP rs1356631664, ClinGen allele CA385849361.
Genomic context (GRCh38, chr12:79,808,523, plus strand): 5'-GCAAATCAAAATAAACTCACCTGTTTTCTTTCTCTTCAATGTCAGATGTACTGGCTAGTC[G>A]TCTTGGTATTGTAGGTGCAACATATGCAAGCCTAGTTCCTTTACTATCTTTCTCCTACAC-3'

ClinVar aggregate classification (germline): Pathogenic. Review status: criteria provided, multiple submitters, no conflicts (2 of 4 stars). 3 submissions from 3 submitters: Pathogenic (2). 1 of the submissions does not count toward it. Last evaluated 2024-05-06.

Conditions:
Genitourinary and/or brain malformation syndrome (GUBS). Also called: PPP1R12A-Related Urogenital and/or Brain Malformation Syndrome. Identifiers: MedGen C5394158, MONDO:0032934, OMIM 618820.

gnomAD v4.1: 1 of 1,609,394 alleles (0.000062%); highest among the groups gnomAD compares: Non-Finnish European, 0.000085%; no homozygotes.

Submissions (3):

Fulgent Genetics
Classification: Pathogenic for Genitourinary and/or brain malformation syndrome. Last evaluated: 2024-05-06. Review status: criteria provided, single submitter. Criteria: ACMG Guidelines, 2015. Collection method: clinical testing. Allele origin: germline.

Juno Genomics, Hangzhou Juno Genomics, Inc
Classification: Pathogenic for Genitourinary and/or brain malformation syndrome. Review status: criteria provided, single submitter. Criteria: ACMG Guidelines, 2015. Collection method: clinical testing. Allele origin: germline. Affected: yes.
Comment: Absent from controls (or at extremely low frequency if recessive) in Genome Aggregation Database, Exome Sequencing Project, 1000 Genomes Project, or Exome Aggregation Consortium.;Null variant in a gene where loss of function (LOF) is a known mechanism of disease.;The prevalence of the variant in affected individuals is significantly increased compared to the prevalence in controls.;Assumed de novo, but without confirmation of paternity and maternity.;Patient's phenotype or family history is highly specific for a disease with a single genetic etiology.

OMIM
Classification: Pathogenic for GENITOURINARY AND/OR BRAIN MALFORMATION SYNDROME. Last evaluated: 2020-03-19. Review status: no assertion criteria provided. Collection method: literature only. Allele origin: germline. Not counted in ClinVar's aggregate classification.

Literature cited by the submitters: PubMed 31883643 (cited by OMIM).